The following is an entry in ClinVar:

NM_005585.5(SMAD6):c.1279G>T (p.Val427Leu)

Gene: SMAD6 (SMAD family member 6; plus strand). Cytogenetic location: 15q22.31.
Variant type: single nucleotide variant.
Coding change: c.1279G>T on transcript NM_005585.5 (MANE Select); coding-DNA position 1279, G replaced by T.
Protein change: p.Val427Leu; replaces valine 427 with leucine.
Molecular consequence: missense variant. On other transcripts: non-coding transcript variant (1).
Genome position (GRCh38, 1-based): chr15:66,781,323, G>T. VCF-style: chr15-66781323-G-T. GRCh37 (hg19) VCF-style: chr15-67073661-G-T.
Other names: short protein forms V427L.
Identifiers: ClinVar variation 3009343 (VCV003009343.3), dbSNP rs1266534938, ClinGen allele CA393202214.

ClinVar aggregate classification (germline): Uncertain significance (1 of 4 stars; one submission).

Conditions:
Aortic valve disease 2 (AOVD2). Identifiers: MedGen C3542024, MONDO:0013902, OMIM 614823.

Allele frequency attached by ClinVar (database versions not stated): TOPMed 0.00001.

Submission:

Labcorp Genetics (formerly Invitae), Labcorp
Classification: Uncertain significance for Aortic valve disease 2. Last evaluated: 2023-04-06. Review status: criteria provided, single submitter. Criteria: Invitae Variant Classification Sherloc (09022015). Collection method: clinical testing. Allele origin: germline.
Comment: This variant is not present in population databases (gnomAD no frequency). In summary, the available evidence is currently insufficient to determine the role of this variant in disease. Therefore, it has been classified as a Variant of Uncertain Significance. Advanced modeling of protein sequence and biophysical properties (such as structural, functional, and spatial information, amino acid conservation, physicochemical variation, residue mobility, and thermodynamic stability) performed at Invitae indicates that this missense variant is not expected to disrupt SMAD6 protein function. This variant has not been reported in the literature in individuals affected with SMAD6-related conditions. This sequence change replaces valine, which is neutral and non-polar, with leucine, which is neutral and non-polar, at codon 427 of the SMAD6 protein (p.Val427Leu).